The following is an entry in ClinVar:

NM_000263.4(NAGLU):c.77C>A (p.Ala26Asp)

Genes: NAGLU (N-acetyl-alpha-glucosaminidase; plus strand), LOC130060903 (ATAC-STARR-seq lymphoblastoid silent region 8533; plus strand). Cytogenetic location: 17q21.2.
Variant type: single nucleotide variant.
Coding change: c.77C>A on transcript NM_000263.4 (MANE Select); coding-DNA position 77, C replaced by A.
Protein change: p.Ala26Asp; replaces alanine 26 with aspartic acid.
Molecular consequence: missense variant.
Genome position (GRCh38, 1-based): chr17:42,536,349, C>A. VCF-style: chr17-42536349-C-A. GRCh37 (hg19) VCF-style: chr17-40688367-C-A.
Other names: short protein forms A26D.
Identifiers: ClinVar variation 1431249 (VCV001431249.6), dbSNP rs988433554, ClinGen allele CA399595227.

ClinVar aggregate classification (germline): Uncertain significance (1 of 4 stars; one submission).

Conditions:
Mucopolysaccharidosis, MPS-III-B (MPS3B). Also called: N-ACETYL-ALPHA-D-GLUCOSAMINIDASE DEFICIENCY; NAGLU DEFICIENCY; SANFILIPPO SYNDROME B; MPS III B; MPS IIIB (Sanfilippo Syndrome Type B); MUCOPOLYSACCHARIDOSIS, TYPE IIIB. Identifiers: Orphanet 79270, MedGen C0086648, MONDO:0009656, OMIM 252920.
Charcot-Marie-Tooth disease axonal type 2V. Also called: CHARCOT-MARIE-TOOTH NEUROPATHY, TYPE 2V; CHARCOT-MARIE-TOOTH DISEASE, AXONAL, AUTOSOMAL DOMINANT, TYPE 2V. Identifiers: Orphanet 447964, MedGen C5569050, MONDO:0014665, OMIM 616491.

gnomAD v4.1: 1 of 1,205,316 alleles (0.000083%); no homozygotes.

Submission:

Labcorp Genetics (formerly Invitae), Labcorp
Classification: Uncertain significance for Charcot-Marie-Tooth disease axonal type 2V; Mucopolysaccharidosis, MPS-III-B. Last evaluated: 2025-07-28. Review status: criteria provided, single submitter. Criteria: Invitae Variant Classification Sherloc (09022015). Collection method: clinical testing. Allele origin: germline.
Comment: This sequence change replaces alanine, which is neutral and non-polar, with aspartic acid, which is acidic and polar, at codon 26 of the NAGLU protein (p.Ala26Asp). This variant is not present in population databases (gnomAD no frequency). This variant has not been reported in the literature in individuals affected with NAGLU-related conditions. ClinVar contains an entry for this variant (Variation ID: 1431249). Invitae Evidence Modeling of protein sequence and biophysical properties (such as structural, functional, and spatial information, amino acid conservation, physicochemical variation, residue mobility, and thermodynamic stability) indicates that this missense variant is not expected to disrupt NAGLU protein function with a negative predictive value of 80%. In summary, the available evidence is currently insufficient to determine the role of this variant in disease. Therefore, it has been classified as a Variant of Uncertain Significance.